The following is an entry in ClinVar:

ClinVar aggregate classification (germline): Uncertain significance (1 of 4 stars; one submission).

Conditions:
Perlman syndrome (PRLMNS). Identifiers: Orphanet 2849, MedGen C0796113, MONDO:0009965, OMIM 267000.

Allele frequency attached by ClinVar (database versions not stated): TOPMed below 0.00001.

Submission:

Labcorp Genetics (formerly Invitae), Labcorp
Classification: Uncertain significance for Perlman syndrome. Last evaluated: 2022-05-11. Review status: criteria provided, single submitter. Criteria: Invitae Variant Classification Sherloc (09022015). Collection method: clinical testing. Allele origin: germline.
Comment: This sequence change replaces proline, which is neutral and non-polar, with alanine, which is neutral and non-polar, at codon 683 of the DIS3L2 protein (p.Pro683Ala). This variant is not present in population databases (gnomAD no frequency). In summary, the available evidence is currently insufficient to determine the role of this variant in disease. Therefore, it has been classified as a Variant of Uncertain Significance. Algorithms developed to predict the effect of missense changes on protein structure and function (SIFT, PolyPhen-2, Align-GVGD) all suggest that this variant is likely to be tolerated. This variant has not been reported in the literature in individuals affected with DIS3L2-related conditions.

NM_152383.5(DIS3L2):c.2047C>G (p.Pro683Ala)

Gene: DIS3L2 (DIS3 like 3'-5' exoribonuclease 2; plus strand). Cytogenetic location: 2q37.1.
Variant type: single nucleotide variant.
Coding change: c.2047C>G on transcript NM_152383.5 (MANE Select); coding-DNA position 2047, C replaced by G.
Protein change: p.Pro683Ala; replaces proline 683 with alanine.
Molecular consequence: missense variant. On other transcripts: non-coding transcript variant (2), intron variant (1).
Genome position (GRCh38, 1-based): chr2:232,333,876, C>G. VCF-style: chr2-232333876-C-G. GRCh37 (hg19) VCF-style: chr2-233198586-C-G.
Other names: c.1582-9469C>G (NM_001257281.2); short protein forms P683A.
Identifiers: ClinVar variation 2153475 (VCV002153475.4), dbSNP rs1695848325, ClinGen allele CA350977367.